The following is an entry in ClinVar:

NM_001829.4(CLCN3):c.917A>G (p.Asn306Ser)

Gene: CLCN3 (chloride voltage-gated channel 3; plus strand). Cytogenetic location: 4q33.
Variant type: single nucleotide variant.
Coding change: c.917A>G on transcript NM_001829.4 (MANE Select); coding-DNA position 917, A replaced by G.
Protein change: p.Asn306Ser; replaces asparagine 306 with serine.
Molecular consequence: missense variant.
Genome position (GRCh38, 1-based): chr4:169,692,301, A>G. VCF-style: chr4-169692301-A-G. GRCh37 (hg19) VCF-style: chr4-170613452-A-G.
Other names: c.917A>G, p.Asn306Ser (NM_001243372.2, NM_173872.4); c.836A>G, p.Asn279Ser (NM_001243374.2); short protein forms N279S, N306S.
Identifiers: ClinVar variation 3897113 (VCV003897113.1).
Genomic context (GRCh38, chr4:169,692,301, plus strand): 5'-TACATGTTGCCTGTTGCTGCGGAAATATCTTTTCCTACCTCTTTCCAAAGTATAGCACAA[A>G]CGAAGCTAAAAAAAGGGAGGTAAGTGTCTTTTGTAGTTAATTTGACTGAAAAATATATAT-3'
Protein context (NP_001820.2, residues 296-316): FSYLFPKYST[Asn306Ser]EAKKREVLSA

ClinVar aggregate classification (germline): Uncertain significance (1 of 4 stars; one submission).

gnomAD v4.1: 1 of 1,602,942 alleles (0.000062%); highest among the groups gnomAD compares: Non-Finnish European, 0.000085%; no homozygotes.

Submission:

GeneDx
Classification: Uncertain significance. Last evaluated: 2024-11-03. Review status: criteria provided, single submitter. Criteria: GeneDx Variant Classification Process June 2021. Collection method: clinical testing. Allele origin: germline. Affected: yes.
Comment: Not observed at significant frequency in large population cohorts (gnomAD); In silico analysis supports that this missense variant has a deleterious effect on protein structure/function; Has not been previously published as pathogenic or benign to our knowledge